The following is an entry in ClinVar:

NM_004744.5(LRAT):c.97G>A (p.Asp33Asn)

Gene: LRAT (lecithin retinol acyltransferase; plus strand). Cytogenetic location: 4q32.1.
Variant type: single nucleotide variant.
Coding change: c.97G>A on transcript NM_004744.5 (MANE Select); coding-DNA position 97, G replaced by A.
Protein change: p.Asp33Asn; replaces aspartic acid 33 with asparagine.
Molecular consequence: missense variant.
Genome position (GRCh38, 1-based): chr4:154,744,423, G>A. VCF-style: chr4-154744423-G-A. GRCh37 (hg19) VCF-style: chr4-155665575-G-A.
Other names: c.97G>A, p.Asp33Asn (NM_001301645.2); short protein forms D33N.
Identifiers: ClinVar variation 1913996 (VCV001913996.2), dbSNP rs777962786, ClinGen allele CA3115817.

ClinVar aggregate classification (germline): Uncertain significance (1 of 4 stars; one submission).

Allele frequency attached by ClinVar (database versions not stated): gnomAD exomes below 0.00001; ExAC 0.00001; gnomAD 0.00001; TOPMed 0.00001.

Submission:

Labcorp Genetics (formerly Invitae), Labcorp
Classification: Uncertain significance. Last evaluated: 2022-05-11. Review status: criteria provided, single submitter. Criteria: Invitae Variant Classification Sherloc (09022015). Collection method: clinical testing. Allele origin: germline.
Comment: This sequence change replaces aspartic acid, which is acidic and polar, with asparagine, which is neutral and polar, at codon 33 of the LRAT protein (p.Asp33Asn). This variant is present in population databases (rs777962786, gnomAD 0.003%). This variant has not been reported in the literature in individuals affected with LRAT-related conditions. Algorithms developed to predict the effect of missense changes on protein structure and function output the following: SIFT: "Tolerated"; PolyPhen-2: "Benign"; Align-GVGD: "Class C0". The asparagine amino acid residue is found in multiple mammalian species, which suggests that this missense change does not adversely affect protein function. In summary, the available evidence is currently insufficient to determine the role of this variant in disease. Therefore, it has been classified as a Variant of Uncertain Significance.